The following is an entry in ClinVar:

ClinVar aggregate classification (germline): Likely benign (1 of 4 stars; one submission).

Allele frequency attached by ClinVar (database versions not stated): gnomAD exomes 0.00281; 1000 Genomes Project 30x 0.00312; gnomAD 0.00334; ExAC 0.00732.
gnomAD v4.1: 3,018 of 1,025,984 alleles (0.29%); highest among the groups gnomAD compares: Middle Eastern, 1%; 276 homozygotes.

Submission:

CeGaT Center for Human Genetics Tuebingen
Classification: Likely benign. Last evaluated: 2024-02-01. Review status: criteria provided, single submitter. Criteria: CeGaT Center For Human Genetics Tuebingen Variant Classification Criteria Version 2. Collection method: clinical testing. Allele origin: germline. Affected: yes. Observed: 3 variant alleles.
Comment: GOLGA8K: BP4, BP7, BS2

NM_001282493.2(GOLGA8K):c.1512G>A (p.Ala504=)

Gene: GOLGA8K (golgin A8 family member K). Cytogenetic location: 15q13.3.
Variant type: single nucleotide variant.
Coding change: c.1512G>A on transcript NM_001282493.2 (MANE Select); coding-DNA position 1512, G replaced by A.
Protein change: p.Ala504=; no amino-acid change (alanine 504 retained).
Molecular consequence: synonymous variant.
Genome position (GRCh38, 1-based): chr15:32,393,342, C>T on the plus strand (G>A on the coding strand, the complement: GOLGA8K is on the minus strand). VCF-style: chr15-32393342-C-T. GRCh37 (hg19) VCF-style: chr15-32685543-C-T.
Identifiers: ClinVar variation 2645119 (VCV002645119.24), dbSNP rs200244223, ClinGen allele CA7454501.